The following is an entry in ClinVar:

ClinVar aggregate classification (germline): Uncertain significance. Review status: criteria provided, multiple submitters, no conflicts (2 of 4 stars). 3 submissions from 3 submitters: Uncertain significance (3). Last evaluated 2024-11-19.

Conditions:
Catecholaminergic polymorphic ventricular tachycardia (CVPT). Also called: Catecholamine-induced polymorphic ventricular tachycardia. Identifiers: Orphanet 3286, MedGen C5574922, MONDO:0017990.
Catecholaminergic polymorphic ventricular tachycardia 1. Also called: RYR2-Related Catecholaminergic Polymorphic Ventricular Tachycardia; VENTRICULAR TACHYCARDIA, STRESS-INDUCED POLYMORPHIC 1; VENTRICULAR TACHYCARDIA, CATECHOLAMINERGIC POLYMORPHIC, 1, WITH OR WITHOUT ATRIAL DYSFUNCTION AND/OR DILATED CARDIOMYOPATHY. Identifiers: Orphanet 3286, MedGen C1631597, MONDO:0011484, OMIM 604772.

Allele frequency attached by ClinVar (database versions not stated): gnomAD exomes 0.00001.
gnomAD v4.1: 3 of 1,610,332 alleles (0.00019%); highest among the groups gnomAD compares: Non-Finnish European, 0.00025%; no homozygotes.

Submissions (3):

Labcorp Genetics (formerly Invitae), Labcorp
Classification: Uncertain significance for Catecholaminergic polymorphic ventricular tachycardia 1. Last evaluated: 2024-11-19. Review status: criteria provided, single submitter. Criteria: Invitae Variant Classification Sherloc (09022015). Collection method: clinical testing. Allele origin: germline.
Comment: This sequence change replaces lysine, which is basic and polar, with asparagine, which is neutral and polar, at codon 1884 of the RYR2 protein (p.Lys1884Asn). This variant is not present in population databases (gnomAD no frequency). This variant has not been reported in the literature in individuals affected with RYR2-related conditions. ClinVar contains an entry for this variant (Variation ID: 191482). Invitae Evidence Modeling of protein sequence and biophysical properties (such as structural, functional, and spatial information, amino acid conservation, physicochemical variation, residue mobility, and thermodynamic stability) indicates that this missense variant is not expected to disrupt RYR2 protein function with a negative predictive value of 95%. In summary, the available evidence is currently insufficient to determine the role of this variant in disease. Therefore, it has been classified as a Variant of Uncertain Significance.

All of Us Research Program, National Institutes of Health
Classification: Uncertain significance for Catecholaminergic polymorphic ventricular tachycardia. Last evaluated: 2023-06-26. Review status: criteria provided, single submitter. Criteria: ACMG Guidelines, 2015. Collection method: clinical testing. Allele origin: germline. Inheritance: Autosomal dominant inheritance. Observed: 1 variant allele, 1 heterozygote.
Comment: This missense variant replaces lysine with asparagine at codon 1884 of the RYR2 protein. Computational prediction suggests that this variant may not impact protein structure and function (internally defined REVEL score threshold <= 0.5, PMID: 27666373). To our knowledge, functional studies have not been reported for this variant. This variant has not been reported in individuals affected with RYR2-related disorders in the literature. This variant has not been identified in the general population by the Genome Aggregation Database (gnomAD). The available evidence is insufficient to determine the role of this variant in disease conclusively. Therefore, this variant is classified as a Variant of Uncertain Significance.

This study involves interpretation of variants in research participants for the purpose of population health screening. Participant phenotype was not available at the time of variant classification. Additional details can be found in publication PMID: 35346344, PMCID: PMC8962531

Biesecker Lab/Clinical Genomics Section, National Institutes of Health
Classification: Uncertain significance. Last evaluated: 2013-06-24. Review status: criteria provided, single submitter. Criteria: Ng et al. (Circ Cardiovasc Genet. 2013). Collection method: research. Allele origin: unknown. Observed: 1 variant allele. Study: ClinSeq.
Comment: The study set was not selected for affection status in relation to any cancer. Pathogenicity categories were based on literature curation. See Pubmed ID:23861362 for details.

Medical sequencing

NM_001035.3(RYR2):c.5652G>T (p.Lys1884Asn)

Gene: RYR2 (ryanodine receptor 2; plus strand). Cytogenetic location: 1q43.
Variant type: single nucleotide variant.
Coding change: c.5652G>T on transcript NM_001035.3 (MANE Select); coding-DNA position 5652, G replaced by T.
Protein change: p.Lys1884Asn; replaces lysine 1884 with asparagine.
Molecular consequence: missense variant.
Genome position (GRCh38, 1-based): chr1:237,614,780, G>T. VCF-style: chr1-237614780-G-T. GRCh37 (hg19) VCF-style: chr1-237778080-G-T.
Other names: c.5652G>T, p.Lys1884Asn (LRG_402t1); short protein forms K1884N.
Identifiers: ClinVar variation 191482 (VCV000191482.4), dbSNP rs202117250, ClinGen allele CA009924.